The following is an entry in ClinVar:

ClinVar aggregate classification (germline): Uncertain significance (1 of 4 stars; one submission).

Submission:

Labcorp Genetics (formerly Invitae), Labcorp
Classification: Uncertain significance. Last evaluated: 2025-11-18. Review status: criteria provided, single submitter. Criteria: Invitae Variant Classification Sherloc (09022015). Collection method: clinical testing. Allele origin: germline.
Comment: This sequence change replaces leucine, which is neutral and non-polar, with phenylalanine, which is neutral and non-polar, at codon 197 of the SERPING1 protein (p.Leu197Phe). This variant is not present in population databases (gnomAD no frequency). This missense change has been observed in individual(s) with hereditary angioedema (internal data). Invitae Evidence Modeling of protein sequence and biophysical properties (such as structural, functional, and spatial information, amino acid conservation, physicochemical variation, residue mobility, and thermodynamic stability) has been performed for this missense variant. However, the output from this modeling did not meet the statistical confidence thresholds required to predict the impact of this variant on SERPING1 protein function. This variant disrupts the p.Leu197 amino acid residue in SERPING1. Other variant(s) that disrupt this residue have been determined to be pathogenic (PMID: 31517426). This suggests that this residue is clinically significant, and that variants that disrupt this residue are likely to be disease-causing. In summary, the available evidence is currently insufficient to determine the role of this variant in disease. Therefore, it has been classified as a Variant of Uncertain Significance.

Literature cited by the submitters: PubMed 31517426.

NM_000062.3(SERPING1):c.589C>T (p.Leu197Phe)

Gene: SERPING1 (serpin family G member 1; plus strand). Cytogenetic location: 11q12.1.
Variant type: single nucleotide variant.
Coding change: c.589C>T on transcript NM_000062.3 (MANE Select); coding-DNA position 589, C replaced by T.
Protein change: p.Leu197Phe; replaces leucine 197 with phenylalanine.
Molecular consequence: missense variant.
Genome position (GRCh38, 1-based): chr11:57,602,073, C>T. VCF-style: chr11-57602073-C-T. GRCh37 (hg19) VCF-style: chr11-57369546-C-T.
Other names: c.589C>T, p.Leu197Phe (NM_001032295.2); short protein forms L197F.
Identifiers: ClinVar variation 4718381 (VCV004718381.1).